The following is an entry in ClinVar:

NM_153252.5(BRWD3):c.2001T>C (p.Asp667=)

Gene: BRWD3 (bromodomain and WD repeat domain containing 3; minus strand). Cytogenetic location: Xq21.1.
Variant type: single nucleotide variant.
Coding change: c.2001T>C on transcript NM_153252.5 (MANE Select); coding-DNA position 2001, T replaced by C.
Protein change: p.Asp667=; no amino-acid change (aspartic acid 667 retained).
Molecular consequence: synonymous variant.
Genome position (GRCh38, 1-based): chrX:80,719,532, A>G on the plus strand (T>C on the coding strand, the complement: BRWD3 is on the minus strand). VCF-style: chrX-80719532-A-G. GRCh37 (hg19) VCF-style: chrX-79975031-A-G.
Other names: c.2001T>C, p.Asp667= (NM_001441339.1).
Identifiers: ClinVar variation 4874374 (VCV004874374.2).

ClinVar aggregate classification (germline): Likely benign (1 of 4 stars; one submission).

Submission:

CeGaT Center for Human Genetics Tuebingen
Classification: Likely benign. Last evaluated: 2026-05-01. Review status: criteria provided, single submitter. Criteria: CeGaT Center For Human Genetics Tuebingen Variant Classification Criteria Version 2. Collection method: clinical testing. Allele origin: germline. Affected: yes. Observed: 1 variant allele.
Comment: BRWD3: PM2:Supporting, BP4, BP7